The following is an entry in ClinVar:

NM_001278116.2(L1CAM):c.3322+11G>A

Gene: L1CAM (L1 cell adhesion molecule; minus strand). Cytogenetic location: Xq28.
Variant type: single nucleotide variant.
Coding change: c.3322+11G>A on transcript NM_001278116.2 (MANE Select); 11 bases into the intron after coding-DNA position 3322, G replaced by A.
Molecular consequence: intron variant.
Genome position (GRCh38, 1-based): chrX:153,864,311, C>T on the plus strand (G>A on the coding strand, the complement: L1CAM is on the minus strand). VCF-style: chrX-153864311-C-T. GRCh37 (hg19) VCF-style: chrX-153129766-C-T.
Other names: c.3307+11G>A (NM_001143963.2); c.3322+11G>A (NM_024003.3, NM_000425.5, NM_000425.4).
Identifiers: ClinVar variation 1690923 (VCV001690923.7), dbSNP rs1372534909, ClinGen allele CA645288906.

ClinVar aggregate classification (germline): Conflicting classifications of pathogenicity. Review status: criteria provided, conflicting classifications (1 of 4 stars). 3 submissions from 3 submitters: Uncertain significance (1); Likely benign (2). Last evaluated 2024-12-12.

Conditions:
Spastic paraplegia. Identifiers: MedGen C0037772, HP:0001258.

Allele frequency attached by ClinVar (database versions not stated): TOPMed 0.00001; gnomAD 0.00003.
gnomAD v4.1: 14 of 1,208,118 alleles (0.0012%); highest among the groups gnomAD compares: Middle Eastern, 0.025%; no homozygotes.

Submissions (3):

Women's Health and Genetics/Laboratory Corporation of America, LabCorp
Classification: Likely benign. Last evaluated: 2024-12-12. Review status: criteria provided, single submitter. Criteria: LabCorp Variant Classification Summary - May 2015. Collection method: clinical testing. Allele origin: germline.

Labcorp Genetics (formerly Invitae), Labcorp
Classification: Likely benign for Spastic paraplegia. Last evaluated: 2023-03-18. Review status: criteria provided, single submitter. Criteria: Invitae Variant Classification Sherloc (09022015). Collection method: clinical testing. Allele origin: germline.

Laboratorio de Genetica e Diagnostico Molecular, Hospital Israelita Albert Einstein
Classification: Uncertain significance. Last evaluated: 2020-08-21. Review status: criteria provided, single submitter. Criteria: ACMG Guidelines, 2015. Collection method: clinical testing. Allele origin: germline. Affected: yes.
Comment: ACMG classification criteria: PM2, PP3